The following is an entry in ClinVar:

NC_000001.10:g.(?_225591005)_(225594554_?)dup

Gene: LBR (lamin B receptor; minus strand). Cytogenetic location: 1q42.12.
Variant type: Duplication.
Identifiers: ClinVar variation 1410589 (VCV001410589.4).

ClinVar aggregate classification (germline): Uncertain significance (1 of 4 stars; one submission).

Submission:

Labcorp Genetics (formerly Invitae), Labcorp
Classification: Uncertain significance. Last evaluated: 2021-04-29. Review status: criteria provided, single submitter. Criteria: Invitae Variant Classification Sherloc (09022015). Collection method: clinical testing. Allele origin: germline.
Comment: In summary, the available evidence is currently insufficient to determine the role of this variant in disease. Therefore, it has been classified as a Variant of Uncertain Significance. This variant has not been reported in the literature in individuals with LBR-related conditions. This variant results in a copy number gain of the genomic region encompassing exon(s) 11-14 of the LBR gene. The 5' boundary is likely confined to intron 10. The 3' end of this event is unknown as it extends beyond the assayed region for this gene and therefore may encompass additional genes. As the precise location of this event is unknown, it may be in tandem or it may be located elsewhere in the genome.